The following is an entry in ClinVar:

NM_024537.4(CARS2):c.200T>C (p.Val67Ala)

Gene: CARS2 (cysteinyl-tRNA synthetase 2, mitochondrial; minus strand). Cytogenetic location: 13q34.
Variant type: single nucleotide variant.
Coding change: c.200T>C on transcript NM_024537.4 (MANE Select); coding-DNA position 200, T replaced by C.
Protein change: p.Val67Ala; replaces valine 67 with alanine.
Molecular consequence: missense variant. On other transcripts: non-coding transcript variant (1), intron variant (1).
Genome position (GRCh38, 1-based): chr13:110,705,894, A>G on the plus strand (T>C on the coding strand, the complement: CARS2 is on the minus strand). VCF-style: chr13-110705894-A-G. GRCh37 (hg19) VCF-style: chr13-111358241-A-G.
Other names: c.200T>C, p.Val67Ala (NM_001352253.3); c.-775-323T>C (NM_001352252.2); short protein forms V67A.
Identifiers: ClinVar variation 573038 (VCV000573038.8), dbSNP rs1566366122, ClinGen allele CA388743120.

ClinVar aggregate classification (germline): Uncertain significance (1 of 4 stars; one submission).

Conditions:
Combined oxidative phosphorylation defect type 27. Also called: Combined oxidative phosphorylation deficiency 27. Identifiers: Orphanet 477774, MedGen C5567608, MONDO:0014728, OMIM 616672.

Submission:

Labcorp Genetics (formerly Invitae), Labcorp
Classification: Uncertain significance for Combined oxidative phosphorylation defect type 27. Last evaluated: 2018-04-26. Review status: criteria provided, single submitter. Criteria: Invitae Variant Classification Sherloc (09022015). Collection method: clinical testing. Allele origin: germline.
Comment: While this variant is not present in population databases, the frequency information is unreliable, as metrics indicate poor data quality at this position in the ExAC database. In summary, the available evidence is currently insufficient to determine the role of this variant in disease. Therefore, it has been classified as a Variant of Uncertain Significance. Algorithms developed to predict the effect of missense changes on protein structure and function (SIFT, PolyPhen-2, Align-GVGD) all suggest that this variant is likely to be tolerated, but these predictions have not been confirmed by published functional studies and their clinical significance is uncertain. This variant has not been reported in the literature in individuals with CARS2-related disease. This sequence change replaces valine with alanine at codon 67 of the CARS2 protein (p.Val67Ala). The valine residue is weakly conserved and there is a small physicochemical difference between valine and alanine.